The following is an entry in ClinVar:

NM_000552.5(VWF):c.4181C>T (p.Ser1394Phe)

Gene: VWF (von Willebrand factor; minus strand). Cytogenetic location: 12p13.31.
Variant type: single nucleotide variant.
Coding change: c.4181C>T on transcript NM_000552.5 (MANE Select); coding-DNA position 4181, C replaced by T.
Protein change: p.Ser1394Phe; replaces serine 1394 with phenylalanine.
Molecular consequence: missense variant.
Genome position (GRCh38, 1-based): chr12:6,019,237, G>A on the plus strand (C>T on the coding strand, the complement: VWF is on the minus strand). VCF-style: chr12-6019237-G-A. GRCh37 (hg19) VCF-style: chr12-6128403-G-A.
Other names: c.4181C>T (NM_000552.3); short protein forms S1394F.
Identifiers: ClinVar variation 4533005 (VCV004533005.3).

ClinVar aggregate classification (germline): Uncertain significance. Review status: criteria provided, multiple submitters, no conflicts (2 of 4 stars). 3 submissions from 3 submitters: Uncertain significance (3). Last evaluated 2025-08-03.

Conditions:
VWF-related disorder. Also called: VWF-related disorders; VWF-related condition.

gnomAD v4.1: 9 of 1,613,822 alleles (0.00056%); highest among the groups gnomAD compares: African/African-American, 0.008%; no homozygotes.

Submissions (3):

GeneDx
Classification: Uncertain significance. Last evaluated: 2025-08-03. Review status: criteria provided, single submitter. Criteria: GeneDx Variant Classification Process June 2021. Collection method: clinical testing. Allele origin: germline. Affected: yes.
Comment: Reported in a patient with type 2 Von Willebrand disease (PMID: 23496210); In silico analysis suggests that this missense variant does not alter protein structure/function; Published functional studies demonstrate a damaging effect on protein function (PMID: 23496210); This variant is associated with the following publications: (PMID: 23496210)

Quest Diagnostics Nichols Institute San Juan Capistrano
Classification: Uncertain significance. Last evaluated: 2025-05-05. Review status: criteria provided, single submitter. Criteria: Quest Diagnostics criteria. Collection method: clinical testing. Allele origin: unknown.
Comment: The VWF c.4181C>T (p.Ser1394Phe) variant has been reported in the published literature in in an individual with Type 2M von Willebrand disease (vWD) (PMID: 23496210 (2013)). Experimental studies showed that this variant had normal collagen binding and only a slight decrease in platelet glycoprotein1b binding (PMID: 23496210 (2013)). The frequency of this variant in the general population (Genome Aggregation Database) is uninformative in the assessment of its pathogenicity. Analysis of this variant using bioinformatics tools for the prediction of the effect of amino acid changes on protein structure and function yielded predictions that this variant is damaging. Based on the available information, we are unable to determine the clinical significance of this variant.

PreventionGenetics, part of Exact Sciences
Classification: Uncertain significance for VWF-related condition. Last evaluated: 2025-01-24. Review status: criteria provided, single submitter. Criteria: ACMG Guidelines, 2015. Collection method: clinical testing. Allele origin: germline.
Comment: The VWF c.4181C>T variant is predicted to result in the amino acid substitution p.Ser1394Phe. This variant has been reported in an individual with Von Willebrand disease 2M (Larsen et al. 2013. PubMed ID: 23496210). This variant is reported in 0.012% of alleles in individuals of African descent in gnomAD. At this time, the clinical significance of this variant is uncertain due to the absence of conclusive functional and genetic evidence.

Literature cited by the submitters: PubMed 23496210 (cited by Quest Diagnostics Nichols Institute San Juan Capistrano).